The following is an entry in ClinVar:

ClinVar aggregate classification (germline): Uncertain significance (1 of 4 stars; one submission).

Submission:

GeneDx
Classification: Uncertain significance. Last evaluated: 2024-11-14. Review status: criteria provided, single submitter. Criteria: GeneDx Variant Classification Process June 2021. Collection method: clinical testing. Allele origin: germline.
Comment: Not observed at significant frequency in large population cohorts (gnomAD); In silico analysis supports that this missense variant has a deleterious effect on protein structure/function; Has not been previously published as pathogenic or benign to our knowledge; Variants in candidate genes are classified as variants of uncertain significance in accordance with ACMG guidelines (PMID: 25741868)

NM_032531.4(KIRREL3):c.296A>T (p.Tyr99Phe)

Gene: KIRREL3 (kirre like nephrin family adhesion molecule 3; minus strand). Cytogenetic location: 11q24.2.
Variant type: single nucleotide variant.
Coding change: c.296A>T on transcript NM_032531.4 (MANE Select); coding-DNA position 296, A replaced by T.
Protein change: p.Tyr99Phe; replaces tyrosine 99 with phenylalanine.
Molecular consequence: missense variant.
Genome position (GRCh38, 1-based): chr11:126,521,452, T>A on the plus strand (A>T on the coding strand, the complement: KIRREL3 is on the minus strand). VCF-style: chr11-126521452-T-A. GRCh37 (hg19) VCF-style: chr11-126391347-T-A.
Other names: c.296A>T, p.Tyr99Phe (NM_001441254.1, NM_001441256.1, NM_001441257.1 and 8 more transcripts); c.254A>T, p.Tyr85Phe (NM_001441255.1, NM_001441259.1, NM_001441260.1); c.146A>T, p.Tyr49Phe (NM_001441262.1); c.404A>T, p.Tyr135Phe (NM_001441252.1); short protein forms Y135F, Y49F, Y85F, Y99F.
Identifiers: ClinVar variation 4887918 (VCV004887918.1).